The following is an entry in ClinVar:

NM_000330.4(RS1):c.62G>C (p.Gly21Ala)

Gene: RS1 (retinoschisin 1; minus strand). Cytogenetic location: Xp22.13.
Variant type: single nucleotide variant.
Coding change: c.62G>C on transcript NM_000330.4 (MANE Select); coding-DNA position 62, G replaced by C.
Protein change: p.Gly21Ala; replaces glycine 21 with alanine.
Molecular consequence: missense variant.
Genome position (GRCh38, 1-based): chrX:18,657,656, C>G on the plus strand (G>C on the coding strand, the complement: RS1 is on the minus strand). VCF-style: chrX-18657656-C-G. GRCh37 (hg19) VCF-style: chrX-18675776-C-G.
Other names: NM_000330.4:c.62G>C; short protein forms G21A.
Identifiers: ClinVar variation 4279574 (VCV004279574.1).

ClinVar aggregate classification (germline): Uncertain significance (3 of 4 stars; one submission).

Conditions:
Juvenile retinoschisis (RS1). Also called: X-linked retinoschisis; X-Linked Juvenile Retinoschisis. Identifiers: Orphanet 792, MedGen C3714753, MONDO:0010725, OMIM 312700.

Submission:

ClinGen X-linked Inherited Retinal Disease Variant Curation Expert Panel, ClinGen
Classification: Uncertain significance for Juvenile retinoschisis. Last evaluated: 2025-09-23. Review status: reviewed by expert panel. Criteria: ClinGen X LinkedIRD ACMG Specifications RS1 V1.0.0. Collection method: curation. Allele origin: germline. Inheritance: X-linked inheritance.
Comment: NM_000330.4(RS1):c.62G>C (p.Gly21Ala) is a missense variant encoding the substitution of glycine with alanine at amino acid 21. This variant is absent from hemizygous individuals in gnomAD v4.1.0 (PM2_Supporting). The computational predictor REVEL gives a score of 0.541, which is below the ClinGen X-linked IRD VCEP PP3 threshold of >0.664 and above the BP4 threshold of <0.290 and does not predict a damaging effect on RS1 function. The splicing impact predictor SpliceAI gives scores of 0.17 for donor loss and 0.16 for acceptor loss, which are below the ClinGen X-linked IRD VCEP recommended threshold of ≥0.2 and do not strongly predict an impact on splicing, so neither PP3 nor BP4 is met. In summary, this variant is classified as a variant of uncertain significance for X-linked retinoschisis based on the ClinGen X-linked Inherited Retinal Disease Expert Panel Specifications to the ACMG/AMP Variant Interpretation Guidelines for RS1 Version 1.0.0: PM2_supporting.